The following is an entry in ClinVar:

NM_004360.5(CDH1):c.2440-6del

Gene: CDH1 (cadherin 1; plus strand). Cytogenetic location: 16q22.1.
Variant type: Deletion.
Coding change: c.2440-6del on transcript NM_004360.5 (MANE Select); 6 bases into the intron before coding-DNA position 2440, one base deleted (C; older notation c.2440-6delC).
Molecular consequence: intron variant.
Genome position (GRCh38, 1-based): chr16:68,833,284, C deleted. VCF-style (leftmost placement, unchanged base first): chr16-68833283-TC-T. GRCh37 (hg19) VCF-style: chr16-68867186-TC-T.
Other names: c.2440-6del (LRG_301t1); c.892-6del (NM_001317185.2); c.475-6del (NM_001317186.2); c.2257-6del (NM_001317184.2).
Identifiers: ClinVar variation 548750 (VCV000548750.12), dbSNP rs745901278, ClinGen allele CA8130294.

ClinVar aggregate classification (germline): Likely benign. Review status: criteria provided, multiple submitters, no conflicts (2 of 4 stars). 4 submissions from 4 submitters: Likely benign (3). 1 of the submissions does not count toward it. Last evaluated 2025-05-19.

Conditions:
Hereditary diffuse gastric adenocarcinoma (HDGC). Also called: DIFFUSE GASTRIC AND LOBULAR BREAST CANCER SYNDROME. Identifiers: Orphanet 26106, MedGen C1708349, MONDO:0007648, OMIM 137215.
Endometrial carcinoma. Also called: Endometrial carcinoma, somatic. Identifiers: MedGen C0476089, MONDO:0002447, OMIM 608089, HP:0012114.
Blepharocheilodontic syndrome 1 (BCDS1). Identifiers: Orphanet 1997, MedGen C4551988, MONDO:0054740, OMIM 119580.
Ovarian cancer. Also called: OVARIAN CANCER, SOMATIC. Identifiers: Orphanet 213500, MedGen C1140680, MONDO:0008170, OMIM 167000.
Familial cancer of breast. Also called: BREAST CANCER, FAMILIAL; Hereditary breast cancer; hereditary breast carcinoma. Identifiers: Orphanet 227535, MedGen C0346153, MONDO:0016419, OMIM 114480. Disease mechanism: loss of function.

Allele frequency attached by ClinVar (database versions not stated): gnomAD exomes below 0.00001 and 0.00001; ExAC 0.00001; gnomAD 0.00001.

Submissions (4):

Labcorp Genetics (formerly Invitae), Labcorp
Classification: Likely benign for Hereditary diffuse gastric adenocarcinoma. Last evaluated: 2025-05-19. Review status: criteria provided, single submitter. Criteria: Invitae Variant Classification Sherloc (09022015). Collection method: clinical testing. Allele origin: germline.

Department of Pathology and Laboratory Medicine, Sinai Health System
Classification: Likely benign for Familial cancer of breast; Blepharocheilodontic syndrome 1; Hereditary diffuse gastric adenocarcinoma; Ovarian cancer; Endometrial carcinoma. Last evaluated: 2024-11-26. Review status: criteria provided, single submitter. Criteria: ACMG Guidelines, 2015. Collection method: clinical testing. Allele origin: germline.

Myriad Genetics, Inc.
Classification: Likely benign for Hereditary diffuse gastric adenocarcinoma. Last evaluated: 2023-03-03. Review status: criteria provided, single submitter. Criteria: Myriad Autosomal Dominant, Autosomal Recessive and X-Linked Classification Criteria (2023). Collection method: clinical testing. Allele origin: unknown.
Comment: This variant is considered likely benign. This variant is intronic and is not expected to impact mRNA splicing.

Counsyl
Classification: Likely benign for Hereditary diffuse gastric adenocarcinoma. Last evaluated: 2017-06-08. Review status: no assertion criteria provided. Collection method: clinical testing. Allele origin: unknown. Not counted in ClinVar's aggregate classification.